The following is an entry in ClinVar:

NM_004006.3(DMD):c.10033_10034insTT (p.Arg3345fs)

Gene: DMD (dystrophin; minus strand). Cytogenetic location: Xp21.2.
Variant type: Insertion.
Coding change: c.10033_10034insTT on transcript NM_004006.3 (MANE Select); coding-DNA positions 10033 to 10034, TT inserted.
Protein change: p.Arg3345fs; shifts the reading frame from arginine 3345.
Molecular consequence: frameshift variant.
Genome position: GRCh38 VCF-style: chrX-31180422-C-CAA. GRCh37 (hg19) VCF-style: chrX-31198539-C-CAA.
Other names: c.10009_10010insTT, p.Arg3337fs (NM_000109.4); c.10021_10022insTT, p.Arg3341fs (NM_004009.3); c.9664_9665insTT, p.Arg3222fs (NM_004010.3); c.6010_6011insTT, p.Arg2004fs (NM_004011.4); c.6001_6002insTT, p.Arg2001fs (NM_004012.4); c.2653_2654insTT, p.Arg885fs (NM_004013.3, NM_004020.4, NM_004021.3 and 2 more transcripts); c.1846_1847insTT, p.Arg616fs (NM_004014.3); c.829_830insTT, p.Arg277fs (NM_004015.3, NM_004016.3, NM_004017.3 and 2 more transcripts); short protein forms R2001fs, R2004fs, R277fs, R3222fs, R3337fs, R3341fs, R3345fs, R616fs.
Identifiers: ClinVar variation 3896838 (VCV003896838.1).

ClinVar aggregate classification (germline): Likely pathogenic (1 of 4 stars; one submission).

Conditions:
Duchenne muscular dystrophy (DMD). Also called: Duchenne Muscular Dystrophy (DMD); MUSCULAR DYSTROPHY, PSEUDOHYPERTROPHIC PROGRESSIVE, DUCHENNE TYPE. Identifiers: Orphanet 98896, MedGen C0013264, MONDO:0010679, OMIM 310200.

Submission:

Kariminejad - Najmabadi Pathology & Genetics Center
Classification: Likely pathogenic for Duchenne muscular dystrophy. Last evaluated: 2024-03-04. Review status: criteria provided, single submitter. Criteria: ACMG Guidelines, 2015. Collection method: clinical testing. Allele origin: germline. Inheritance: X-linked inheritance. Affected: yes.
Comment: PVS1, PM2